The following is an entry in ClinVar:

NM_015335.5(MED13L):c.5344A>G (p.Met1782Val)

Gene: MED13L (mediator complex subunit 13L; minus strand). Cytogenetic location: 12q24.21.
Variant type: single nucleotide variant.
Coding change: c.5344A>G on transcript NM_015335.5 (MANE Select); coding-DNA position 5344, A replaced by G.
Protein change: p.Met1782Val; replaces methionine 1782 with valine.
Molecular consequence: missense variant.
Genome position (GRCh38, 1-based): chr12:115,980,770, T>C on the plus strand (A>G on the coding strand, the complement: MED13L is on the minus strand). VCF-style: chr12-115980770-T-C. GRCh37 (hg19) VCF-style: chr12-116418575-T-C.
Other names: short protein forms M1782V.
Identifiers: ClinVar variation 3031919 (VCV003031919.2), dbSNP rs2499816030, ClinGen allele CA386879998.
Genomic context (GRCh38, chr12:115,980,770, plus strand): 5'-TAGTATAAATTTTCTAAGTTTCTGTCCTGCCAATACCTACCTCAGGGTTCTTGAGGGTCA[T>C]CTCAATGCTGGCTGCAGGCCCAAATCCCGTGAGGGATTTAATGTGGATCTGTGTAGGCAG-3'
Protein context (NP_056150.1, residues 1772-1792): TGFGPAASIE[Met1782Val]TLKNPERPSP

ClinVar aggregate classification (germline): Uncertain significance (0 of 4 stars; one submission).

Conditions:
MED13L-related disorder. Also called: MED13L-related condition.

Submission:

PreventionGenetics, part of Exact Sciences
Classification: Uncertain significance for MED13L-related condition. Last evaluated: 2024-01-16. Review status: no assertion criteria provided. Collection method: clinical testing. Allele origin: germline.
Comment: The MED13L c.5344A>G variant is predicted to result in the amino acid substitution p.Met1782Val. To our knowledge, this variant has not been reported in the literature or in a large population database, indicating this variant is rare. At this time, the clinical significance of this variant is uncertain due to the absence of conclusive functional and genetic evidence.